The following is an entry in ClinVar:

ClinVar aggregate classification (germline): Uncertain significance (1 of 4 stars; one submission).

Conditions:
Methylmalonic aciduria and homocystinuria type cblF. Also called: COBALAMIN F DISEASE; COBALAMIN, DEFECT IN LYSOSOMAL RELEASE OF; METHYLMALONIC ACIDEMIA AND HOMOCYSTINURIA, cblF TYPE; METHYLMALONIC ACIDURIA DUE TO VITAMIN B12-RELEASE DEFECT; VITAMIN B12 LYSOSOMAL RELEASE DEFECT; VITAMIN B12 STORAGE DISEASE. Identifiers: Orphanet 79284, MedGen C1848578, MONDO:0010183, OMIM 277380.

Allele frequency attached by ClinVar (database versions not stated): gnomAD exomes below 0.00001; ExAC 0.00001.
gnomAD v4.1: 1 of 1,613,526 alleles (0.000062%); highest among the groups gnomAD compares: Non-Finnish European, 0.000085%; no homozygotes.

Submission:

Labcorp Genetics (formerly Invitae), Labcorp
Classification: Uncertain significance for Methylmalonic aciduria and homocystinuria type cblF. Last evaluated: 2024-11-05. Review status: criteria provided, single submitter. Criteria: Invitae Variant Classification Sherloc (09022015). Collection method: clinical testing. Allele origin: germline.
Comment: This sequence change replaces alanine, which is neutral and non-polar, with valine, which is neutral and non-polar, at codon 55 of the LMBRD1 protein (p.Ala55Val). This variant is present in population databases (rs750928457, gnomAD 0.0009%). This variant has not been reported in the literature in individuals affected with LMBRD1-related conditions. ClinVar contains an entry for this variant (Variation ID: 1495683). Invitae Evidence Modeling of protein sequence and biophysical properties (such as structural, functional, and spatial information, amino acid conservation, physicochemical variation, residue mobility, and thermodynamic stability) indicates that this missense variant is not expected to disrupt LMBRD1 protein function with a negative predictive value of 80%. In summary, the available evidence is currently insufficient to determine the role of this variant in disease. Therefore, it has been classified as a Variant of Uncertain Significance.

NM_018368.4(LMBRD1):c.164C>T (p.Ala55Val)

Gene: LMBRD1 (LMBR1 domain containing 1; minus strand). Cytogenetic location: 6q13.
Variant type: single nucleotide variant.
Coding change: c.164C>T on transcript NM_018368.4 (MANE Select); coding-DNA position 164, C replaced by T.
Protein change: p.Ala55Val; replaces alanine 55 with valine.
Molecular consequence: missense variant. On other transcripts: 5 prime UTR variant (3).
Genome position (GRCh38, 1-based): chr6:69,790,378, G>A on the plus strand (C>T on the coding strand, the complement: LMBRD1 is on the minus strand). VCF-style: chr6-69790378-G-A. GRCh37 (hg19) VCF-style: chr6-70500270-G-A.
Other names: c.-56C>T (NM_001363722.2, NM_001367271.1, NM_001367272.1); short protein forms A55V.
Identifiers: ClinVar variation 1495683 (VCV001495683.5), dbSNP rs750928457, ClinGen allele CA3879992.